The following is an entry in ClinVar:

ClinVar aggregate classification (germline): Uncertain significance (1 of 4 stars; one submission).

gnomAD v4.1: 3 of 1,580,148 alleles (0.00019%); highest among the groups gnomAD compares: Non-Finnish European, 0.00026%; no homozygotes.

Submission:

GeneDx
Classification: Uncertain significance. Last evaluated: 2023-09-10. Review status: criteria provided, single submitter. Criteria: GeneDx Variant Classification Process June 2021. Collection method: clinical testing. Allele origin: germline.
Comment: In silico analysis supports that this missense variant does not alter protein structure/function; Has not been previously published as pathogenic or benign to our knowledge

NM_007118.4(TRIO):c.5248G>A (p.Val1750Met)

Gene: TRIO (trio Rho guanine nucleotide exchange factor; plus strand). Cytogenetic location: 5p15.2.
Variant type: single nucleotide variant.
Coding change: c.5248G>A on transcript NM_007118.4 (MANE Select); coding-DNA position 5248, G replaced by A.
Protein change: p.Val1750Met; replaces valine 1750 with methionine.
Molecular consequence: missense variant. On other transcripts: non-coding transcript variant (1).
Genome position (GRCh38, 1-based): chr5:14,461,063, G>A. VCF-style: chr5-14461063-G-A. GRCh37 (hg19) VCF-style: chr5-14461172-G-A.
Other names: short protein forms V1750M.
Identifiers: ClinVar variation 2502720 (VCV002502720.2), dbSNP rs1291954783, ClinGen allele CA359226521.